The following is an entry in ClinVar:

NM_016169.4(SUFU):c.926G>T (p.Arg309Leu)

Gene: SUFU (SUFU negative regulator of hedgehog signaling; plus strand). Cytogenetic location: 10q24.32.
Variant type: single nucleotide variant.
Coding change: c.926G>T on transcript NM_016169.4 (MANE Select); coding-DNA position 926, G replaced by T.
Protein change: p.Arg309Leu; replaces arginine 309 with leucine.
Molecular consequence: missense variant.
Genome position (GRCh38, 1-based): chr10:102,599,448, G>T. VCF-style: chr10-102599448-G-T. GRCh37 (hg19) VCF-style: chr10-104359205-G-T.
Other names: c.926G>T, p.Arg309Leu (NM_001178133.2); short protein forms R309L.
Identifiers: ClinVar variation 3963855 (VCV003963855.1).
Genomic context (GRCh38, chr10:102,599,448, plus strand): 5'-TGGGAGCCCACTGGGCCACTGGGCAACTTAGTGGTGTCGTTGCAGACACAGAGCAGATCC[G>T]GGAGACCCTGAGGAGAGGACTCGAGATCAACAGCAAACCTGTCCTTCCACCAATCAACCC-3'
Protein context (NP_057253.2, residues 299-319): RLSGKDTEQI[Arg309Leu]ETLRRGLEIN

ClinVar aggregate classification (germline): Uncertain significance (1 of 4 stars; one submission).

Conditions:
Hereditary cancer-predisposing syndrome. Also called: Tumor predisposition; Hereditary neoplastic syndrome; Hereditary Cancer Syndrome; Neoplastic Syndromes, Hereditary. Identifiers: Orphanet 140162, MedGen C0027672, MeSH D009386, MONDO:0015356.

Submission:

Ambry Genetics
Classification: Uncertain significance for Hereditary cancer-predisposing syndrome. Last evaluated: 2025-03-28. Review status: criteria provided, single submitter. Criteria: Ambry Variant Classification Scheme 2023. Collection method: clinical testing. Allele origin: germline.
Comment: The p.R309L variant (also known as c.926G>T), located in coding exon 8 of the SUFU gene, results from a G to T substitution at nucleotide position 926. The arginine at codon 309 is replaced by leucine, an amino acid with dissimilar properties. This amino acid position is conserved. In addition, this alteration is predicted to be deleterious by in silico analysis. Based on the available evidence, the clinical significance of this variant remains unclear.